The following is an entry in ClinVar:

ClinVar aggregate classification (germline): Uncertain significance. Review status: criteria provided, multiple submitters, no conflicts (2 of 4 stars). 2 submissions from 2 submitters: Uncertain significance (2). Last evaluated 2022-12-13.

Conditions:
Cardiovascular phenotype. Identifiers: MedGen CN230736.

Allele frequency attached by ClinVar (database versions not stated): gnomAD exomes below 0.00001; TOPMed 0.00003.
gnomAD v4.1: 1 of 1,609,488 alleles (0.000062%); highest among the groups gnomAD compares: Non-Finnish European, 0.000085%; no homozygotes.

Submissions (2):

Ambry Genetics
Classification: Uncertain significance for Cardiovascular phenotype. Last evaluated: 2022-12-13. Review status: criteria provided, single submitter. Criteria: Ambry Variant Classification Scheme 2023. Collection method: clinical testing. Allele origin: germline.
Comment: The p.E1343D variant (also known as c.4029G>T), located in coding exon 6 of the ALPK3 gene, results from a G to T substitution at nucleotide position 4029. The glutamic acid at codon 1343 is replaced by aspartic acid, an amino acid with highly similar properties. This amino acid position is conserved. In addition, this alteration is predicted to be tolerated by in silico analysis. Since supporting evidence is limited at this time, the clinical significance of this alteration remains unclear.

Labcorp Genetics (formerly Invitae), Labcorp
Classification: Uncertain significance. Last evaluated: 2022-09-22. Review status: criteria provided, single submitter. Criteria: Invitae Variant Classification Sherloc (09022015). Collection method: clinical testing. Allele origin: germline.
Comment: This sequence change replaces glutamic acid, which is acidic and polar, with aspartic acid, which is acidic and polar, at codon 1343 of the ALPK3 protein (p.Glu1343Asp). This variant is not present in population databases (gnomAD no frequency). This variant has not been reported in the literature in individuals affected with ALPK3-related conditions. Algorithms developed to predict the effect of missense changes on protein structure and function output the following: SIFT: "Tolerated"; PolyPhen-2: "Benign"; Align-GVGD: "Class C0". The aspartic acid amino acid residue is found in multiple mammalian species, which suggests that this missense change does not adversely affect protein function. In summary, the available evidence is currently insufficient to determine the role of this variant in disease. Therefore, it has been classified as a Variant of Uncertain Significance.

NM_020778.5(ALPK3):c.3423G>T (p.Glu1141Asp)

Gene: ALPK3 (alpha kinase 3; plus strand). Cytogenetic location: 15q25.3.
Variant type: single nucleotide variant.
Coding change: c.3423G>T on transcript NM_020778.5 (MANE Select); coding-DNA position 3423, G replaced by T.
Protein change: p.Glu1141Asp; replaces glutamic acid 1141 with aspartic acid.
Molecular consequence: missense variant.
Genome position (GRCh38, 1-based): chr15:84,858,161, G>T. VCF-style: chr15-84858161-G-T. GRCh37 (hg19) VCF-style: chr15-85401392-G-T.
Other names: c.4029G>T (NM_020778.4); short protein forms E1141D.
Identifiers: ClinVar variation 1923547 (VCV001923547.7), dbSNP rs1366088854, ClinGen allele CA393360240.